The following is an entry in ClinVar:

ClinVar aggregate classification (germline): Uncertain significance (1 of 4 stars; one submission).

Conditions:
Aortic aneurysm, familial thoracic 7 (AAT7). Also called: AORTIC DISSECTION, FAMILIAL, WITH OR WITHOUT AORTIC ANEURYSM. Identifiers: MedGen C3151077, MONDO:0013418, OMIM 613780.

Allele frequency attached by ClinVar (database versions not stated): gnomAD exomes below 0.00001; TOPMed below 0.00001.

Submission:

Labcorp Genetics (formerly Invitae), Labcorp
Classification: Uncertain significance for Aortic aneurysm, familial thoracic 7. Last evaluated: 2021-08-31. Review status: criteria provided, single submitter. Criteria: Invitae Variant Classification Sherloc (09022015). Collection method: clinical testing. Allele origin: germline.
Comment: This sequence change replaces methionine with valine at codon 1763 of the MYLK protein (p.Met1763Val). The methionine residue is highly conserved and there is a small physicochemical difference between methionine and valine. This variant is not present in population databases (ExAC no frequency). This variant has not been reported in the literature in individuals affected with MYLK-related conditions. Algorithms developed to predict the effect of missense changes on protein structure and function are either unavailable or do not agree on the potential impact of this missense change (SIFT: "Deleterious"; PolyPhen-2: "Benign"; Align-GVGD: "Class C0"). Algorithms developed to predict the effect of sequence changes on RNA splicing suggest that this variant may create or strengthen a splice site. In summary, the available evidence is currently insufficient to determine the role of this variant in disease. Therefore, it has been classified as a Variant of Uncertain Significance.

NM_053025.4(MYLK):c.5287A>G (p.Met1763Val)

Genes: MYLK (myosin light chain kinase; minus strand), MYLK-AS1 (MYLK antisense RNA 1; plus strand). Cytogenetic location: 3q21.1.
Variant type: single nucleotide variant.
Coding change: c.5287A>G on transcript NM_053025.4 (MANE Select); coding-DNA position 5287, A replaced by G.
Protein change: p.Met1763Val; replaces methionine 1763 with valine.
Molecular consequence: missense variant.
Genome position (GRCh38, 1-based): chr3:123,620,288, T>C on the plus strand (A>G on the coding strand, the complement: MYLK is on the minus strand). VCF-style: chr3-123620288-T-C. GRCh37 (hg19) VCF-style: chr3-123339135-T-C.
Other names: c.4759A>G, p.Met1587Val (NM_001321309.2); c.5080A>G, p.Met1694Val (NM_053026.4); c.5134A>G, p.Met1712Val (NM_053027.4); c.4927A>G, p.Met1643Val (NM_053028.4); c.7A>G, p.Met3Val (NM_053031.4, NM_053032.4); short protein forms M1763V, M1694V, M1712V, M1587V, M3V, M1643V.
Identifiers: ClinVar variation 471736 (VCV000471736.6), dbSNP rs1337673131, ClinGen allele CA354231611.